The following is an entry in ClinVar:

NM_001161352.2(KCNMA1):c.3416G>A (p.Arg1139Gln)

Genes: KCNMA1 (potassium calcium-activated channel subfamily M alpha 1; minus strand), KCNMA1-AS1 (KCNMA1 antisense RNA 1; plus strand). Cytogenetic location: 10q22.3.
Variant type: single nucleotide variant.
Coding change: c.3416G>A on transcript NM_001161352.2 (MANE Select); coding-DNA position 3416, G replaced by A.
Protein change: p.Arg1139Gln; replaces arginine 1139 with glutamine.
Molecular consequence: missense variant.
Genome position (GRCh38, 1-based): chr10:76,889,496, C>T on the plus strand (G>A on the coding strand, the complement: KCNMA1 is on the minus strand). VCF-style: chr10-76889496-C-T. GRCh37 (hg19) VCF-style: chr10-78649254-C-T.
Other names: c.3254G>A, p.Arg1085Gln (NM_001014797.3); c.3365G>A, p.Arg1122Gln (NM_001161353.2); c.3092G>A, p.Arg1031Gln (NM_001271518.2); c.3332G>A, p.Arg1111Gln (NM_001271519.2); c.3251G>A, p.Arg1084Gln (NM_001322829.2, NM_001322836.2); c.3344G>A, p.Arg1115Gln (NM_001322830.2); c.3242G>A, p.Arg1081Gln (NM_001322832.2, NM_002247.4); c.3335G>A, p.Arg1112Gln (NM_001322835.2, NM_001322837.2); and 1 more; short protein forms R1081Q, R1085Q, R1111Q, R930Q, R1122Q, R1084Q, R1112Q, R1115Q.
Identifiers: ClinVar variation 532943 (VCV000532943.9), dbSNP rs1397556923, ClinGen allele CA377403092.
Genomic context (GRCh38, chr10:76,889,496, plus strand): 5'-GAAACCAATACTCACCTCTTTGTGCACTGACTGGGGGTGCTGAGGTGAGCATCTCTCAGC[C>T]GGTAAATTCCAAAACAAAGCATATTATATGTTTTCAGAGCTTTGCAGAACAGATCACCAT-3'
Protein context (NP_001154824.1, residues 1129-1149): TYNMLCFGIY[Arg1139Gln]LRDAHLSTPS

ClinVar aggregate classification (germline): Uncertain significance (1 of 4 stars; one submission).

Conditions:
Generalized epilepsy-paroxysmal dyskinesia syndrome (PNKD3). Also called: Generalized epilepsy and paroxysmal dyskinesia; Paroxysmal nonkinesigenic dyskinesia, 3, with or without generalized epilepsy. Identifiers: Orphanet 79137, MedGen C5574945, MONDO:0012276, OMIM 609446.

Allele frequency attached by ClinVar (database versions not stated): TOPMed below 0.00001; gnomAD 0.00001.
gnomAD v4.1: 5 of 1,613,874 alleles (0.00031%); highest among the groups gnomAD compares: East Asian, 0.0022%; no homozygotes.

Submission:

Labcorp Genetics (formerly Invitae), Labcorp
Classification: Uncertain significance for Generalized epilepsy-paroxysmal dyskinesia syndrome. Last evaluated: 2017-10-04. Review status: criteria provided, single submitter. Criteria: Invitae Variant Classification Sherloc (09022015). Collection method: clinical testing. Allele origin: germline.
Comment: Algorithms developed to predict the effect of sequence changes on RNA splicing suggest that this variant may create or strengthen a splice site, but this prediction has not been confirmed by published transcriptional studies. This sequence change replaces arginine with glutamine at codon 1081 of the KCNMA1 protein (p.Arg1081Gln). The arginine residue is highly conserved and there is a small physicochemical difference between arginine and glutamine. This variant is not present in population databases (ExAC no frequency). This variant has not been reported in the literature in individuals with KCNMA1-related disease. Algorithms developed to predict the effect of missense changes on protein structure and function (SIFT, PolyPhen-2, Align-GVGD) all suggest that this variant is likely to be disruptive, but these predictions have not been confirmed by published functional studies and their clinical significance is uncertain. In summary, the available evidence is currently insufficient to determine the role of this variant in disease. Therefore, it has been classified as a Variant of Uncertain Significance.